The following is an entry in ClinVar:

NM_000051.4(ATM):c.4584_4585del (p.Val1528_Tyr1529insTer)

Gene: ATM (ATM serine/threonine kinase; plus strand). Cytogenetic location: 11q22.3.
Variant type: Microsatellite.
Coding change: c.4584_4585del on transcript NM_000051.4 (MANE Select); coding-DNA positions 4584 to 4585, 2 bases deleted (GT; older notation c.4584_4585delGT).
Protein change: p.Val1528_Tyr1529insTer.
Molecular consequence: frameshift variant.
Genome position (GRCh38, 1-based): chr11:108,292,766-108,292,767, GT deleted; deleting any 2 consecutive bases within chr11:108,292,763-108,292,767 gives the same sequence; the c. name uses the placement nearest the transcript's 3' end. VCF-style (leftmost placement, unchanged base first): chr11-108292762-TTG-T. GRCh37 (hg19) VCF-style: chr11-108163489-TTG-T.
Other names: c.4584_4585del, p.Val1528_Tyr1529insTer (NM_001351834.2).
Identifiers: ClinVar variation 1442852 (VCV001442852.6), dbSNP rs2135802014, ClinGen allele CA2580616443.

ClinVar aggregate classification (germline): Pathogenic (1 of 4 stars; one submission).

Conditions:
Ataxia-telangiectasia syndrome (AT). Also called: Ataxia-telangiectasia; LOUIS-BAR SYNDROME; AT, COMPLEMENTATION GROUP C; Ataxia-telangiectasia, complementation group E; Ataxia telangiectasia (A-T); Cerebello-oculocutaneous telangiectasia. Identifiers: Orphanet 100, MedGen C0004135, MONDO:0008840, OMIM 208900.

Submission:

Labcorp Genetics (formerly Invitae), Labcorp
Classification: Pathogenic for Ataxia-telangiectasia syndrome. Last evaluated: 2022-12-14. Review status: criteria provided, single submitter. Criteria: Invitae Variant Classification Sherloc (09022015). Collection method: clinical testing. Allele origin: germline.
Comment: For these reasons, this variant has been classified as Pathogenic. This premature translational stop signal has been observed in individual(s) with clinical features of autosomal recessive Ataxia Telangiectasia (PMID: 16411093). This variant is not present in population databases (gnomAD no frequency). This sequence change creates a premature translational stop signal (p.Tyr1529*) in the ATM gene. It is expected to result in an absent or disrupted protein product. Loss-of-function variants in ATM are known to be pathogenic (PMID: 23807571, 25614872).

Literature cited by the submitters: PubMed 16411093; PubMed 23807571; PubMed 25614872.